The following is an entry in ClinVar:

NM_000256.3(MYBPC3):c.3325A>G (p.Thr1109Ala)

Gene: MYBPC3 (myosin binding protein C3; minus strand). Cytogenetic location: 11p11.2.
Variant type: single nucleotide variant.
Coding change: c.3325A>G on transcript NM_000256.3 (MANE Select); coding-DNA position 3325, A replaced by G.
Protein change: p.Thr1109Ala; replaces threonine 1109 with alanine.
Molecular consequence: missense variant.
Genome position (GRCh38, 1-based): chr11:47,333,199, T>C on the plus strand (A>G on the coding strand, the complement: MYBPC3 is on the minus strand). VCF-style: chr11-47333199-T-C. GRCh37 (hg19) VCF-style: chr11-47354750-T-C.
Other names: short protein forms T1109A.
Identifiers: ClinVar variation 2625338 (VCV002625338.3), dbSNP rs2095878931, ClinGen allele CA380314022.

ClinVar aggregate classification (germline): Uncertain significance. Review status: criteria provided, multiple submitters, no conflicts (2 of 4 stars). 2 submissions from 2 submitters: Uncertain significance (2). Last evaluated 2023-12-01.

Conditions:
Cardiovascular phenotype. Identifiers: MedGen CN230736.
Hypertrophic cardiomyopathy. Also called: HYPERTROPHIC MYOCARDIOPATHY. Identifiers: Orphanet 217569, MedGen C0007194, MeSH D002312, MONDO:0005045, HP:0001639.

Allele frequency attached by ClinVar (database versions not stated): TOPMed below 0.00001; gnomAD exomes 0.00001.
gnomAD v4.1: 3 of 1,602,344 alleles (0.00019%); highest among the groups gnomAD compares: Admixed American, 0.0051%; no homozygotes.

Submissions (2):

All of Us Research Program, National Institutes of Health
Classification: Uncertain significance for Hypertrophic cardiomyopathy. Last evaluated: 2023-12-01. Review status: criteria provided, single submitter. Criteria: ACMG Guidelines, 2015. Collection method: clinical testing. Allele origin: germline. Inheritance: Autosomal dominant inheritance. Observed: 1 variant allele, 1 heterozygote.
Comment: This study involves interpretation of variants in research participants for the purpose of population health screening. Participant phenotype was not available at the time of variant classification. Additional details can be found in publication PMID: 35346344, PMCID: PMC8962531

Ambry Genetics
Classification: Uncertain significance for Cardiovascular phenotype. Last evaluated: 2023-09-15. Review status: criteria provided, single submitter. Criteria: Ambry Variant Classification Scheme 2023. Collection method: clinical testing. Allele origin: germline.
Comment: The p.T1109A variant (also known as c.3325A>G), located in coding exon 30 of the MYBPC3 gene, results from an A to G substitution at nucleotide position 3325. The threonine at codon 1109 is replaced by alanine, an amino acid with similar properties. This amino acid position is conserved. In addition, the in silico prediction for this alteration is inconclusive. Since supporting evidence is limited at this time, the clinical significance of this alteration remains unclear.